The following is an entry in ClinVar:

ClinVar aggregate classification (germline): Uncertain significance. Review status: criteria provided, multiple submitters, no conflicts (2 of 4 stars). 2 submissions from 2 submitters: Uncertain significance (2). Last evaluated 2023-04-11.

Conditions:
Hereditary cancer-predisposing syndrome. Also called: Neoplastic Syndromes, Hereditary; Hereditary Cancer Syndrome; Tumor predisposition; Hereditary neoplastic syndrome. Identifiers: Orphanet 140162, MedGen C0027672, MeSH D009386, MONDO:0015356.
Ataxia-telangiectasia syndrome (AT). Also called: Cerebello-oculocutaneous telangiectasia; Immunodeficiency with ataxia telangiectasia; ATAXIA-TELANGIECTASIA, COMPLEMENTATION GROUP A; ATAXIA-TELANGIECTASIA, FRESNO VARIANT; Ataxia-telangiectasia, complementation group E; LOUIS-BAR SYNDROME. Identifiers: Orphanet 100, MedGen C0004135, MONDO:0008840, OMIM 208900.

Submissions (2):

Labcorp Genetics (formerly Invitae), Labcorp
Classification: Uncertain significance for Ataxia-telangiectasia syndrome. Last evaluated: 2023-04-11. Review status: criteria provided, single submitter. Criteria: Invitae Variant Classification Sherloc (09022015). Collection method: clinical testing. Allele origin: germline.
Comment: In summary, the available evidence is currently insufficient to determine the role of this variant in disease. Therefore, it has been classified as a Variant of Uncertain Significance. Algorithms developed to predict the effect of missense changes on protein structure and function output the following: SIFT: "Not Available"; PolyPhen-2: "Benign"; Align-GVGD: "Not Available". The asparagine amino acid residue is found in multiple mammalian species, which suggests that this missense change does not adversely affect protein function. ClinVar contains an entry for this variant (Variation ID: 1511593). This variant has not been reported in the literature in individuals affected with ATM-related conditions. This variant is not present in population databases (gnomAD no frequency). This sequence change replaces aspartic acid, which is acidic and polar, with asparagine, which is neutral and polar, at codon 863 of the ATM protein (p.Asp863Asn).

Ambry Genetics
Classification: Uncertain significance for Hereditary cancer-predisposing syndrome. Last evaluated: 2022-11-22. Review status: criteria provided, single submitter. Criteria: Ambry Variant Classification Scheme 2023. Collection method: clinical testing. Allele origin: germline.
Comment: The p.D863N variant (also known as c.2587G>A), located in coding exon 16 of the ATM gene, results from a G to A substitution at nucleotide position 2587. The aspartic acid at codon 863 is replaced by asparagine, an amino acid with highly similar properties. This amino acid position is poorly conserved in available vertebrate species. In addition, this alteration is predicted to be tolerated by in silico analysis. Since supporting evidence is limited at this time, the clinical significance of this alteration remains unclear.

NM_000051.4(ATM):c.2587G>A (p.Asp863Asn)

Gene: ATM (ATM serine/threonine kinase; plus strand). Cytogenetic location: 11q22.3.
Variant type: single nucleotide variant.
Coding change: c.2587G>A on transcript NM_000051.4 (MANE Select); coding-DNA position 2587, G replaced by A.
Protein change: p.Asp863Asn; replaces aspartic acid 863 with asparagine.
Molecular consequence: missense variant.
Genome position (GRCh38, 1-based): chr11:108,267,291, G>A. VCF-style: chr11-108267291-G-A. GRCh37 (hg19) VCF-style: chr11-108138018-G-A.
Other names: c.2587G>A (NM_000051.3); c.2587G>A, p.Asp863Asn (NM_001351834.2); short protein forms D863N.
Identifiers: ClinVar variation 1511593 (VCV001511593.7), dbSNP rs2135508489, ClinGen allele CA382543986.